The following is an entry in ClinVar:

NM_002448.3(MSX1):c.365G>T (p.Gly122Val)

Gene: MSX1 (msh homeobox 1; plus strand). Cytogenetic location: 4p16.2.
Variant type: single nucleotide variant.
Coding change: c.365G>T on transcript NM_002448.3 (MANE Select); coding-DNA position 365, G replaced by T.
Protein change: p.Gly122Val; replaces glycine 122 with valine.
Molecular consequence: missense variant.
Genome position (GRCh38, 1-based): chr4:4,860,264, G>T. VCF-style: chr4-4860264-G-T. GRCh37 (hg19) VCF-style: chr4-4861991-G-T.
Other names: short protein forms G122V.
Identifiers: ClinVar variation 461600 (VCV000461600.2), dbSNP rs28933081, ClinGen allele CA2832952.
Genomic context (GRCh38, chr4:4,860,264, plus strand): 5'-CGCTGGGAGCCCCGGACGCGCCCTCTTCGCCGCGGCCGCTCGGCCATTTCTCGGTGGGGG[G>T]ACTCCTCAAGCTGCCAGAAGATGCGCTCGTCAAAGCCGAGAGCCCCGAGAAGCCCGAGAG-3'
Protein context (NP_002439.2, residues 112-132): PRPLGHFSVG[Gly122Val]LLKLPEDALV

ClinVar aggregate classification (germline): Uncertain significance (1 of 4 stars; one submission).

Conditions:
Hypoplastic enamel-onycholysis-hypohidrosis syndrome (TNS). Also called: NAIL DYSPLASIA WITH HYPODONTIA; ECTODERMAL DYSPLASIA 3, TOOTH/NAIL TYPE; WITKOP SYNDROME; Tooth-and-Nail Syndrome; ECTODERMAL DYSPLASIA 3, WITKOP TYPE. Identifiers: Orphanet 2228, MedGen C0406735, MONDO:0008582, OMIM 189500.

Allele frequency attached by ClinVar (database versions not stated): ExAC 0.00002; gnomAD exomes 0.00004; gnomAD 0.00005; TOPMed 0.00006.
gnomAD v4.1: 180 of 1,593,390 alleles (0.011%); highest among the groups gnomAD compares: Non-Finnish European, 0.014%; no homozygotes.

Submission:

Labcorp Genetics (formerly Invitae), Labcorp
Classification: Uncertain significance for Hypoplastic enamel-onycholysis-hypohidrosis syndrome. Last evaluated: 2021-08-31. Review status: criteria provided, single submitter. Criteria: Invitae Variant Classification Sherloc (09022015). Collection method: clinical testing. Allele origin: germline.
Comment: This sequence change replaces glycine with valine at codon 122 of the MSX1 protein (p.Gly122Val). The glycine residue is moderately conserved and there is a moderate physicochemical difference between glycine and valine. This variant is present in population databases (rs28933081, ExAC 0.02%). This variant has not been reported in the literature in individuals affected with MSX1-related conditions. Algorithms developed to predict the effect of missense changes on protein structure and function are either unavailable or do not agree on the potential impact of this missense change (SIFT: "Deleterious"; PolyPhen-2: "Possibly Damaging"; Align-GVGD: "Class C0"). Algorithms developed to predict the effect of sequence changes on RNA splicing suggest that this variant may create or strengthen a splice site. In summary, the available evidence is currently insufficient to determine the role of this variant in disease. Therefore, it has been classified as a Variant of Uncertain Significance.